The following is an entry in ClinVar:

ClinVar aggregate classification (germline): Conflicting classifications of pathogenicity. Review status: criteria provided, conflicting classifications (1 of 4 stars). 2 submissions from 2 submitters: Likely pathogenic (1); Uncertain significance (1). Last evaluated 2025-01-08.

Conditions:
Hereditary cancer-predisposing syndrome. Also called: Hereditary neoplastic syndrome; Neoplastic Syndromes, Hereditary; Hereditary Cancer Syndrome; Tumor predisposition. Identifiers: Orphanet 140162, MedGen C0027672, MeSH D009386, MONDO:0015356.
Ataxia-telangiectasia syndrome (AT). Also called: AT, COMPLEMENTATION GROUP C; Cerebello-oculocutaneous telangiectasia; Immunodeficiency with ataxia telangiectasia; Ataxia-telangiectasia, complementation group D; ATAXIA-TELANGIECTASIA, FRESNO VARIANT; Ataxia-telangiectasia, complementation group E. Identifiers: Orphanet 100, MedGen C0004135, MONDO:0008840, OMIM 208900.

Submissions (2):

Ambry Genetics
Classification: Likely pathogenic for Hereditary cancer-predisposing syndrome. Last evaluated: 2025-01-08. Review status: criteria provided, single submitter. Criteria: Ambry Variant Classification Scheme 2023. Collection method: clinical testing. Allele origin: germline.
Comment: The c.4889A>G variant (also known as p.D1630G), located in coding exon 31 of the ATM gene, results from an A to G substitution at nucleotide position 4889. This nucleotide position is well conserved in available vertebrate species. In silico splice site analysis predicts that this alteration may weaken the native splice donor site and will result in the creation or strengthening of a novel splice donor site. RNA studies have demonstrated that this alteration results in abnormal splicing in the set of samples tested (Ambry internal data). Based on the majority of available evidence to date, this variant is likely to be pathogenic.

Labcorp Genetics (formerly Invitae), Labcorp
Classification: Uncertain significance for Ataxia-telangiectasia syndrome. Last evaluated: 2024-11-13. Review status: criteria provided, single submitter. Criteria: Invitae Variant Classification Sherloc (09022015). Collection method: clinical testing. Allele origin: germline.
Comment: This sequence change replaces aspartic acid, which is acidic and polar, with glycine, which is neutral and non-polar, at codon 1630 of the ATM protein (p.Asp1630Gly). This variant is not present in population databases (gnomAD no frequency). This variant has not been reported in the literature in individuals affected with ATM-related conditions. ClinVar contains an entry for this variant (Variation ID: 574277). Invitae Evidence Modeling of protein sequence and biophysical properties (such as structural, functional, and spatial information, amino acid conservation, physicochemical variation, residue mobility, and thermodynamic stability) indicates that this missense variant is not expected to disrupt ATM protein function with a negative predictive value of 95%. Algorithms developed to predict the effect of sequence changes on RNA splicing suggest that this variant may disrupt the consensus splice site. In summary, the available evidence is currently insufficient to determine the role of this variant in disease. Therefore, it has been classified as a Variant of Uncertain Significance.

NM_000051.4(ATM):c.4889A>G (p.Asp1630Gly)

Gene: ATM (ATM serine/threonine kinase; plus strand). Cytogenetic location: 11q22.3.
Variant type: single nucleotide variant.
Coding change: c.4889A>G on transcript NM_000051.4 (MANE Select); coding-DNA position 4889, A replaced by G.
Protein change: p.Asp1630Gly; replaces aspartic acid 1630 with glycine.
Molecular consequence: missense variant.
Genome position (GRCh38, 1-based): chr11:108,295,039, A>G. VCF-style: chr11-108295039-A-G. GRCh37 (hg19) VCF-style: chr11-108165766-A-G.
Other names: c.4889A>G, p.Asp1630Gly (NM_001351834.2); short protein forms D1630G.
Identifiers: ClinVar variation 574277 (VCV000574277.11), dbSNP rs1565466579, ClinGen allele CA382537208.